The following is an entry in ClinVar:

NM_017617.5(NOTCH1):c.856G>C (p.Glu286Gln)

Gene: NOTCH1 (notch receptor 1; minus strand). Cytogenetic location: 9q34.3.
Variant type: single nucleotide variant.
Coding change: c.856G>C on transcript NM_017617.5 (MANE Select); coding-DNA position 856, G replaced by C.
Protein change: p.Glu286Gln; replaces glutamic acid 286 with glutamine.
Molecular consequence: missense variant.
Genome position (GRCh38, 1-based): chr9:136,519,452, C>G on the plus strand (G>C on the coding strand, the complement: NOTCH1 is on the minus strand). VCF-style: chr9-136519452-C-G. GRCh37 (hg19) VCF-style: chr9-139413904-C-G.
Other names: short protein forms E286Q.
Identifiers: ClinVar variation 3684813 (VCV003684813.2).

ClinVar aggregate classification (germline): Uncertain significance (1 of 4 stars; one submission).

Conditions:
Adams-Oliver syndrome 5 (AOS5). Identifiers: Orphanet 974, MedGen C4014970, MONDO:0014459, OMIM 616028.

gnomAD v4.1: 7 of 1,612,932 alleles (0.00043%); highest among the groups gnomAD compares: South Asian, 0.0011%; no homozygotes.

Submission:

Labcorp Genetics (formerly Invitae), Labcorp
Classification: Uncertain significance for Adams-Oliver syndrome 5. Last evaluated: 2025-06-22. Review status: criteria provided, single submitter. Criteria: Invitae Variant Classification Sherloc (09022015). Collection method: clinical testing. Allele origin: germline.
Comment: This sequence change replaces glutamic acid, which is acidic and polar, with glutamine, which is neutral and polar, at codon 286 of the NOTCH1 protein (p.Glu286Gln). This variant is not present in population databases (gnomAD no frequency). This variant has not been reported in the literature in individuals affected with NOTCH1-related conditions. ClinVar contains an entry for this variant (Variation ID: 3684813). Invitae Evidence Modeling of protein sequence and biophysical properties (such as structural, functional, and spatial information, amino acid conservation, physicochemical variation, residue mobility, and thermodynamic stability) indicates that this missense variant is not expected to disrupt NOTCH1 protein function with a negative predictive value of 95%. In summary, the available evidence is currently insufficient to determine the role of this variant in disease. Therefore, it has been classified as a Variant of Uncertain Significance.